The following is an entry in ClinVar:

NM_014832.5(TBC1D4):c.738G>A (p.Pro246=)

Gene: TBC1D4 (TBC1 domain family member 4; minus strand). Cytogenetic location: 13q22.2.
Variant type: single nucleotide variant.
Coding change: c.738G>A on transcript NM_014832.5 (MANE Select); coding-DNA position 738, G replaced by A.
Protein change: p.Pro246=; no amino-acid change (proline 246 retained).
Molecular consequence: synonymous variant.
Genome position (GRCh38, 1-based): chr13:75,362,368, C>T on the plus strand (G>A on the coding strand, the complement: TBC1D4 is on the minus strand). VCF-style: chr13-75362368-C-T. GRCh37 (hg19) VCF-style: chr13-75936504-C-T.
Other names: c.738G>A, p.Pro246= (NM_001286658.2, NM_001286659.2).
Identifiers: ClinVar variation 3040012 (VCV003040012.2), dbSNP rs374810380, ClinGen allele CA7004207.

ClinVar aggregate classification (germline): Likely benign (0 of 4 stars; one submission).

Conditions:
TBC1D4-related disorder. Also called: TBC1D4-related condition.

Allele frequency attached by ClinVar (database versions not stated): gnomAD exomes 0.00004; ExAC 0.00007; 1000 Genomes Project 30x 0.00016; 1000 Genomes Project 0.00020; ESP Exome Variant Server 0.00040; gnomAD 0.00047; TOPMed 0.00047.
gnomAD v4.1: 136 of 1,614,156 alleles (0.0084%); highest among the groups gnomAD compares: African/African-American, 0.16%; no homozygotes.

Submission:

PreventionGenetics, part of Exact Sciences
Classification: Likely benign for TBC1D4-related condition. Last evaluated: 2019-10-28. Review status: no assertion criteria provided. Collection method: clinical testing. Allele origin: germline.
Comment: This variant is classified as likely benign based on ACMG/AMP sequence variant interpretation guidelines (Richards et al. 2015 PMID: 25741868, with internal and published modifications).